The following is an entry in ClinVar:

NM_212482.4(FN1):c.839C>T (p.Ser280Leu)

Gene: FN1 (fibronectin 1; minus strand). Cytogenetic location: 2q35.
Variant type: single nucleotide variant.
Coding change: c.839C>T on transcript NM_212482.4 (MANE Select); coding-DNA position 839, C replaced by T.
Protein change: p.Ser280Leu; replaces serine 280 with leucine.
Molecular consequence: missense variant.
Genome position (GRCh38, 1-based): chr2:215,428,185, G>A on the plus strand (C>T on the coding strand, the complement: FN1 is on the minus strand). VCF-style: chr2-215428185-G-A. GRCh37 (hg19) VCF-style: chr2-216292908-G-A.
Other names: c.839C>T, p.Ser280Leu (NM_001306129.2, NM_001306130.2, NM_001306131.2 and 14 more transcripts); short protein forms S280L.
Identifiers: ClinVar variation 3771791 (VCV003771791.13).

ClinVar aggregate classification (germline): Likely benign (1 of 4 stars; one submission).

gnomAD v4.1: 50 of 1,613,884 alleles (0.0031%); highest among the groups gnomAD compares: South Asian, 0.042%; no homozygotes.

Submission:

CeGaT Center for Human Genetics Tuebingen
Classification: Likely benign. Last evaluated: 2025-01-01. Review status: criteria provided, single submitter. Criteria: CeGaT Center For Human Genetics Tuebingen Variant Classification Criteria Version 2. Collection method: clinical testing. Allele origin: germline. Affected: yes. Observed: 1 variant allele.
Comment: FN1: PP2, BP4, BP5